The following is an entry in ClinVar:

ClinVar aggregate classification (germline): Uncertain significance. Review status: criteria provided, multiple submitters, no conflicts (2 of 4 stars). 2 submissions from 2 submitters: Uncertain significance (2). Last evaluated 2024-11-22.

Conditions:
Inborn genetic diseases. Identifiers: MedGen C0950123, MeSH D030342.

Submissions (2):

Ambry Genetics
Classification: Uncertain significance for Inborn genetic diseases. Last evaluated: 2024-11-22. Review status: criteria provided, single submitter. Criteria: Ambry Variant Classification Scheme 2023. Collection method: clinical testing. Allele origin: germline.

GeneDx
Classification: Uncertain significance. Last evaluated: 2022-03-10. Review status: criteria provided, single submitter. Criteria: GeneDx Variant Classification Process June 2021. Collection method: clinical testing. Allele origin: germline. Affected: yes.
Comment: Not observed at significant frequency in large population cohorts (gnomAD); In silico analysis supports that this missense variant has a deleterious effect on protein structure/function; Has not been previously published as pathogenic or benign to our knowledge

NM_003931.3(WASF1):c.493A>C (p.Met165Leu)

Gene: WASF1 (WASP family member 1; minus strand). Cytogenetic location: 6q21.
Variant type: single nucleotide variant.
Coding change: c.493A>C on transcript NM_003931.3 (MANE Select); coding-DNA position 493, A replaced by C.
Protein change: p.Met165Leu; replaces methionine 165 with leucine.
Molecular consequence: missense variant.
Genome position (GRCh38, 1-based): chr6:110,107,124, T>G on the plus strand (A>C on the coding strand, the complement: WASF1 is on the minus strand). VCF-style: chr6-110107124-T-G. GRCh37 (hg19) VCF-style: chr6-110428327-T-G.
Other names: c.493A>C, p.Met165Leu (NM_001024934.2, NM_001024935.2, NM_001024936.2); short protein forms M165L.
Identifiers: ClinVar variation 1706665 (VCV001706665.3), dbSNP rs1773356374, ClinGen allele CA365351725.